The following is an entry in ClinVar:

NM_144670.6(A2ML1):c.2026C>T (p.Arg676Trp)

Gene: A2ML1 (alpha-2-macroglobulin like 1; plus strand). Cytogenetic location: 12p13.31.
Variant type: single nucleotide variant.
Coding change: c.2026C>T on transcript NM_144670.6 (MANE Select); coding-DNA position 2026, C replaced by T.
Protein change: p.Arg676Trp; replaces arginine 676 with tryptophan.
Molecular consequence: missense variant.
Genome position (GRCh38, 1-based): chr12:8,848,912, C>T. VCF-style: chr12-8848912-C-T. GRCh37 (hg19) VCF-style: chr12-9001508-C-T.
Other names: c.553C>T, p.Arg185Trp (NM_001282424.3); short protein forms R676W, R185W.
Identifiers: ClinVar variation 696477 (VCV000696477.18), dbSNP rs200503836, ClinGen allele CA6435864.

ClinVar aggregate classification (germline): Benign/Likely benign. Review status: criteria provided, multiple submitters, no conflicts (2 of 4 stars). 6 submissions from 6 submitters: Benign (2); Likely benign (2). 2 of the submissions do not count toward it. Last evaluated 2026-01-26.

Allele frequency attached by ClinVar (database versions not stated): 1000 Genomes Project 0.00060; gnomAD exomes 0.00054 and 0.00029; ESP Exome Variant Server 0.00008; TOPMed 0.00020; gnomAD 0.00026 and 0.00029; 1000 Genomes Project 30x 0.00047; ExAC 0.00050.
gnomAD v4.1: 486 of 1,610,288 alleles (0.03%); highest among the groups gnomAD compares: Middle Eastern, 0.21%; 1 homozygote.

Submissions (7):

Labcorp Genetics (formerly Invitae), Labcorp
Classification: Likely benign. Last evaluated: 2026-01-26. Review status: criteria provided, single submitter. Criteria: Invitae Variant Classification Sherloc (09022015). Collection method: clinical testing. Allele origin: germline.

GeneDx
Classification: Benign. Last evaluated: 2020-12-15. Review status: criteria provided, single submitter. Criteria: GeneDx Variant Classification Process June 2021. Collection method: clinical testing. Allele origin: germline. Affected: yes.

Women's Health and Genetics/Laboratory Corporation of America, LabCorp
Classification: Benign. Last evaluated: 2019-08-26. Review status: criteria provided, single submitter. Criteria: LabCorp Variant Classification Summary - May 2015. Collection method: clinical testing. Allele origin: germline.
Comment: Variant summary: A2ML1 c.2026C>T (p.Arg676Trp) results in a non-conservative amino acid change in the encoded protein sequence. Four of five in-silico tools predict a benign effect of the variant on protein function. The variant allele was found at a frequency of 0.00054 in 244778 control chromosomes, predominantly at a frequency of 0.0013 within the South Asian subpopulation in the gnomAD database. The observed variant frequency within South Asian control individuals in the gnomAD database is approximately 325 fold of the estimated maximal expected allele frequency for a pathogenic variant in A2ML1 causing Noonan Syndrome phenotype (4e-06), strongly suggesting that the variant is a benign polymorphism found primarily in populations of South Asian origin. c.2026C>T has been reported in the literature in individuals affected with Noonan Syndrome (Vissers_2015). These report(s) do not provide unequivocal conclusions about association of the variant with Noonan Syndrome. To our knowledge, no experimental evidence demonstrating an impact on protein function has been reported. No clinical diagnostic laboratories have submitted clinical-significance assessments for this variant to ClinVar after 2014. Based on the evidence outlined above, the variant was classified as benign.

Breakthrough Genomics
Classification: Likely benign. Review status: criteria provided, single submitter. Criteria: ACMG Guidelines, 2015. Collection method: not provided. Allele origin: germline. Inheritance: Autosomal dominant inheritance. Affected: yes.

Clinical Genetics DNA and cytogenetics Diagnostics Lab, Erasmus MC, Erasmus Medical Center
Classification: Likely benign. Review status: no assertion criteria provided. Collection method: clinical testing. Allele origin: germline. Affected: yes. Study: VKGL Data-share Consensus. Not counted in ClinVar's aggregate classification.

Dr. Peter K. Rogan Lab, Western University
No classification provided (evidence only). Condition: Ovarian serous cystadenocarcinoma. Review status: no classification provided. Collection method: in vitro. Allele origin: not applicable. Functional consequence: retained intron. Not counted in ClinVar's aggregate classification.

Joint Genome Diagnostic Labs from Nijmegen and Maastricht, Radboudumc and MUMC+
Classification: Likely benign. Review status: no assertion criteria provided. Collection method: clinical testing. Allele origin: germline. Affected: yes. Study: VKGL Data-share Consensus. Not counted in ClinVar's aggregate classification.

Literature cited by the submitters: PubMed 24939586 (cited by Women's Health and Genetics/Laboratory Corporation of America, LabCorp).